The following is an entry in ClinVar:

NM_001042492.3(NF1):c.1685A>C (p.Asn562Thr)

Gene: NF1 (neurofibromin 1; plus strand). Cytogenetic location: 17q11.2.
Variant type: single nucleotide variant.
Coding change: c.1685A>C on transcript NM_001042492.3 (MANE Select); coding-DNA position 1685, A replaced by C.
Protein change: p.Asn562Thr; replaces asparagine 562 with threonine.
Molecular consequence: missense variant.
Genome position (GRCh38, 1-based): chr17:31,221,893, A>C. VCF-style: chr17-31221893-A-C. GRCh37 (hg19) VCF-style: chr17-29548911-A-C.
Other names: c.1685A>C, p.Asn562Thr (NM_000267.4, NM_001128147.3); short protein forms N562T.
Identifiers: ClinVar variation 819828 (VCV000819828.4), dbSNP rs1597706709, ClinGen allele CA399002304.

ClinVar aggregate classification (germline): Uncertain significance (1 of 4 stars; one submission).

Conditions:
Hereditary cancer-predisposing syndrome. Also called: Neoplastic Syndromes, Hereditary; Tumor predisposition; Hereditary Cancer Syndrome; Hereditary neoplastic syndrome. Identifiers: Orphanet 140162, MedGen C0027672, MeSH D009386, MONDO:0015356.
Cardiovascular phenotype. Identifiers: MedGen CN230736.

Submission:

Ambry Genetics
Classification: Uncertain significance for Cardiovascular phenotype; Hereditary cancer-predisposing syndrome. Last evaluated: 2019-11-26. Review status: criteria provided, single submitter. Criteria: Ambry Variant Classification Scheme 2023. Collection method: clinical testing. Allele origin: germline.
Comment: The p.N562T variant (also known as c.1685A>C), located in coding exon 15 of the NF1 gene, results from an A to C substitution at nucleotide position 1685. The asparagine at codon 562 is replaced by threonine, an amino acid with similar properties. This amino acid position is highly conserved in available vertebrate species. In addition, this alteration is predicted to be tolerated by in silico analysis. Since supporting evidence is limited at this time, the clinical significance of this alteration remains unclear.